The following is an entry in ClinVar:

ClinVar aggregate classification (germline): Pathogenic (1 of 4 stars; one submission).

Submission:

Labcorp Genetics (formerly Invitae), Labcorp
Classification: Pathogenic. Last evaluated: 2023-01-27. Review status: criteria provided, single submitter. Criteria: Invitae Variant Classification Sherloc (09022015). Collection method: clinical testing. Allele origin: germline.
Comment: For these reasons, this variant has been classified as Pathogenic. This variant disrupts a region of the GNAS protein in which other variant(s) (p.Leu179Arg) have been determined to be pathogenic (Invitae). This suggests that this is a clinically significant region of the protein, and that variants that disrupt it are likely to be disease-causing. This variant results in the deletion of exon 7 and part of exon 8 (c.531-105_599del) of the GNAS gene. It is expected to disrupt RNA splicing. Variants that disrupt the donor or acceptor splice site typically lead to a loss of protein function (PMID: 16199547), and loss-of-function variants in GNAS are known to be pathogenic (PMID: 11784876, 23281139, 23796510, 25802881). This variant is not present in population databases (gnomAD no frequency). This variant has not been reported in the literature in individuals affected with GNAS-related conditions. Algorithms developed to predict the effect of sequence changes on RNA splicing suggest that this variant may disrupt the consensus splice site.

Literature cited by the submitters: PubMed 16199547; PubMed 11784876; PubMed 23281139; PubMed 23796510; PubMed 25802881.

NM_000516.7(GNAS):c.531-105_599del

Gene: GNAS (GNAS complex locus; plus strand). Cytogenetic location: 20q13.32.
Variant type: Deletion.
Coding change: c.531-105_599del on transcript NM_000516.7 (MANE Select); 105 bases into the intron before coding-DNA position 531 through coding-DNA position 599, 307 bases deleted.
Molecular consequence: splice acceptor variant, splice donor variant.
Genome position (GRCh38, 1-based): chr20:58,909,057-58,909,363, 307 bases deleted. GRCh37 (hg19): chr20:57,484,112-57,484,418.
Other names: c.*437-105_*505del (NM_016592.5); c.435-105_503del (NM_001410912.1); c.354-105_422del (NM_001309861.2, NM_001309840.2); c.*392-105_*460del (NM_001077490.3); c.2460-105_2528del (NM_080425.4); c.2415-105_2483del (NM_001410913.1); c.534-105_602del (NM_001077488.5); c.489-105_557del (NM_080426.4); and 1 more.
Identifiers: ClinVar variation 2832343 (VCV002832343.3), dbSNP rs2517219435, ClinGen allele CA2739277216.